The following is an entry in ClinVar:

NM_005120.3(MED12):c.4425A>G (p.Leu1475=)

Gene: MED12 (mediator complex subunit 12; plus strand). Cytogenetic location: Xq13.1.
Variant type: single nucleotide variant.
Coding change: c.4425A>G on transcript NM_005120.3 (MANE Select); coding-DNA position 4425, A replaced by G.
Protein change: p.Leu1475=; no amino-acid change (leucine 1475 retained).
Molecular consequence: synonymous variant.
Genome position (GRCh38, 1-based): chrX:71,132,854, A>G. VCF-style: chrX-71132854-A-G. GRCh37 (hg19) VCF-style: chrX-70352704-A-G.
Identifiers: ClinVar variation 458817 (VCV000458817.20), dbSNP rs370211858, ClinGen allele CA10444652.

ClinVar aggregate classification (germline): Benign/Likely benign. Review status: criteria provided, multiple submitters, no conflicts (2 of 4 stars). 6 submissions from 6 submitters: Benign (1); Likely benign (4). 1 of the submissions does not count toward it. Last evaluated 2026-01-12.

Conditions:
FG syndrome (FGS). Identifiers: MedGen C0220769, MONDO:0002010.
MED12-Related Disorders. Also called: MED12-related condition; MED12-related disorder. Identifiers: MedGen CN381102.
Familial thoracic aortic aneurysm and aortic dissection (TAAD). Also called: Thoracic aortic aneurysms and dissections. Identifiers: Orphanet 91387, MedGen C4707243, MONDO:0019625.

Allele frequency attached by ClinVar (database versions not stated): gnomAD 0.00008 and 0.00009; gnomAD exomes 0.00009 and 0.00018; TOPMed 0.00017; 1000 Genomes Project 30x 0.00021; 1000 Genomes Project 0.00026; ExAC 0.00030; ESP Exome Variant Server 0.00031.
gnomAD v4.1: 193 of 1,166,577 alleles (0.017%); highest among the groups gnomAD compares: Non-Finnish European, 0.02%; no homozygotes.

Submissions (6):

Labcorp Genetics (formerly Invitae), Labcorp
Classification: Benign for FG syndrome. Last evaluated: 2026-01-12. Review status: criteria provided, single submitter. Criteria: Invitae Variant Classification Sherloc (09022015). Collection method: clinical testing. Allele origin: germline.

Blueprint Genetics
Classification: Likely benign. Last evaluated: 2024-08-23. Review status: criteria provided, single submitter. Criteria: ACMG Guidelines, 2015. Collection method: clinical testing. Allele origin: germline.

Ambry Genetics
Classification: Likely benign for Familial thoracic aortic aneurysm and aortic dissection. Last evaluated: 2022-02-14. Review status: criteria provided, single submitter. Criteria: Ambry Variant Classification Scheme 2023. Collection method: clinical testing. Allele origin: germline.

GeneDx
Classification: Likely benign. Last evaluated: 2020-06-16. Review status: criteria provided, single submitter. Criteria: GeneDx Variant Classification Process June 2021. Collection method: clinical testing. Allele origin: germline. Affected: yes.

Breakthrough Genomics
Classification: Likely benign. Review status: criteria provided, single submitter. Criteria: ACMG Guidelines, 2015. Collection method: not provided. Allele origin: germline. Inheritance: X-linked inheritance. Affected: yes.

PreventionGenetics, part of Exact Sciences
Classification: Likely benign for MED12-related condition. Last evaluated: 2023-12-29. Review status: no assertion criteria provided. Collection method: clinical testing. Allele origin: germline. Not counted in ClinVar's aggregate classification.
Comment: This variant is classified as likely benign based on ACMG/AMP sequence variant interpretation guidelines (Richards et al. 2015 PMID: 25741868, with internal and published modifications).